The following is an entry in ClinVar:

ClinVar aggregate classification (germline): Uncertain significance (1 of 4 stars; one submission).

Conditions:
Progressive microcephaly-seizures-cortical blindness-developmental delay syndrome. Also called: Seizures, cortical blindness, and microcephaly syndrome. Identifiers: Orphanet 477814, MedGen C5567650, MONDO:0014714, OMIM 616632.
Autosomal dominant nonsyndromic hearing loss 1. Also called: KONIGSMARK SYNDROME; DEAFNESS, AUTOSOMAL DOMINANT 1, WITH OR WITHOUT THROMBOCYTOPENIA. Identifiers: Orphanet 90635, MedGen C1852282, MONDO:0007424, OMIM 124900.

Allele frequency attached by ClinVar (database versions not stated): gnomAD exomes below 0.00001.
gnomAD v4.1: 1 of 1,613,776 alleles (0.000062%); highest among the groups gnomAD compares: Non-Finnish European, 0.000085%; no homozygotes.

Submission:

Labcorp Genetics (formerly Invitae), Labcorp
Classification: Uncertain significance for Progressive microcephaly-seizures-cortical blindness-developmental delay syndrome; Autosomal dominant nonsyndromic hearing loss 1. Last evaluated: 2023-12-07. Review status: criteria provided, single submitter. Criteria: Invitae Variant Classification Sherloc (09022015). Collection method: clinical testing. Allele origin: germline.
Comment: This sequence change replaces isoleucine, which is neutral and non-polar, with threonine, which is neutral and polar, at codon 862 of the DIAPH1 protein (p.Ile862Thr). This variant is not present in population databases (gnomAD no frequency). This variant has not been reported in the literature in individuals affected with DIAPH1-related conditions. ClinVar contains an entry for this variant (Variation ID: 1719967). An algorithm developed to predict the effect of missense changes on protein structure and function (PolyPhen-2) suggests that this variant is likely to be disruptive. In summary, the available evidence is currently insufficient to determine the role of this variant in disease. Therefore, it has been classified as a Variant of Uncertain Significance.

NM_005219.5(DIAPH1):c.2585T>C (p.Ile862Thr)

Gene: DIAPH1 (diaphanous related formin 1; minus strand). Cytogenetic location: 5q31.3.
Variant type: single nucleotide variant.
Coding change: c.2585T>C on transcript NM_005219.5 (MANE Select); coding-DNA position 2585, T replaced by C.
Protein change: p.Ile862Thr; replaces isoleucine 862 with threonine.
Molecular consequence: missense variant.
Genome position (GRCh38, 1-based): chr5:141,529,694, A>G on the plus strand (T>C on the coding strand, the complement: DIAPH1 is on the minus strand). VCF-style: chr5-141529694-A-G. GRCh37 (hg19) VCF-style: chr5-140909261-A-G.
Other names: c.2558T>C, p.Ile853Thr (NM_001079812.3); c.2585T>C, p.Ile862Thr (NM_001314007.2); short protein forms I853T, I862T.
Identifiers: ClinVar variation 1719967 (VCV001719967.6), dbSNP rs2513627960, ClinGen allele CA361586648.